The following is an entry in ClinVar:

ClinVar aggregate classification (germline): Uncertain significance (1 of 4 stars; one submission).

Conditions:
Charcot-Marie-Tooth disease axonal type 2T. Identifiers: Orphanet 443950, MedGen C4015635, OMIM 617017, MONDO:0014866.

gnomAD v4.1: 17 of 1,611,496 alleles (0.0011%); highest among the groups gnomAD compares: Non-Finnish European, 0.0014%; no homozygotes.

Submission:

Victorian Clinical Genetics Services, Murdoch Childrens Research Institute
Classification: Uncertain significance for Charcot-Marie-Tooth disease axonal type 2T. Last evaluated: 2024-11-25. Review status: criteria provided, single submitter. Criteria: ACMG Guidelines, 2015. Collection method: clinical testing. Allele origin: germline. Affected: yes.
Comment: This variant is classified as VUS-3A. Evidence in support of pathogenic classification: Canonical splice site variant without proven consequence on splicing (no functional evidence available); Variant is present in gnomAD <0.01 (v4: 17 heterozygote(s), 0 homozygote(s)); Abnormal splicing is predicted by in silico tool and affected nucleotide is highly conserved. Additional information: This variant is heterozygous; This gene is associated with both recessive and dominant disease (PMID: 33144514); An alternative nucleotide change at the same canonical splice site is present in gnomAD (v4: 3 heterozygote(s), 0 homozygote(s)); This variant has no previous evidence of pathogenicity; No published segregation evidence has been identified for this variant; No published functional evidence has been identified for this variant; No comparable splice site variants have previous evidence for pathogenicity; Loss of function is a known mechanism of disease in this gene and is associated with Charcot-Marie-Tooth disease, axonal, type 2T (MIM#617017); The condition associated with this gene has incomplete penetrance. The autosomal dominant condition has incomplete penetrance and is associated with a later onset of disease (PMID: 33144514); Inheritance information for this variant is not currently available in this individual.

Literature cited by the submitters: PubMed 33144514.

NM_007289.4(MME):c.1317+2T>G

Gene: MME (membrane metalloendopeptidase; plus strand). Cytogenetic location: 3q25.2.
Variant type: single nucleotide variant.
Coding change: c.1317+2T>G on transcript NM_007289.4 (MANE Select); the canonical splice donor site of the intron after coding-DNA position 1317, T replaced by G.
Molecular consequence: splice donor variant.
Genome position (GRCh38, 1-based): chr3:155,143,573, T>G. VCF-style: chr3-155143573-T-G. GRCh37 (hg19) VCF-style: chr3-154861362-T-G.
Other names: c.1317+2T>G (NM_001354642.2, NM_000902.5, NM_007287.4 and 2 more transcripts).
Identifiers: ClinVar variation 4531877 (VCV004531877.1).